The following is an entry in ClinVar:

ClinVar aggregate classification (germline): Likely benign (0 of 4 stars; one submission).

Conditions:
SEMA3E-related disorder. Also called: SEMA3E-related condition.

gnomAD v4.1: 6 of 1,606,638 alleles (0.00037%); highest among the groups gnomAD compares: Admixed American, 0.0033%; no homozygotes.

Submission:

PreventionGenetics, part of Exact Sciences
Classification: Likely benign for SEMA3E-related condition. Last evaluated: 2021-07-12. Review status: no assertion criteria provided. Collection method: clinical testing. Allele origin: germline.
Comment: This variant is classified as likely benign based on ACMG/AMP sequence variant interpretation guidelines (Richards et al. 2015 PMID: 25741868, with internal and published modifications).

NM_012431.3(SEMA3E):c.1431A>G (p.Val477=)

Gene: SEMA3E (semaphorin 3E; minus strand). Cytogenetic location: 7q21.11.
Variant type: single nucleotide variant.
Coding change: c.1431A>G on transcript NM_012431.3 (MANE Select); coding-DNA position 1431, A replaced by G.
Protein change: p.Val477=; no amino-acid change (valine 477 retained).
Molecular consequence: synonymous variant.
Genome position (GRCh38, 1-based): chr7:83,396,665, T>C on the plus strand (A>G on the coding strand, the complement: SEMA3E is on the minus strand). VCF-style: chr7-83396665-T-C. GRCh37 (hg19) VCF-style: chr7-83025981-T-C.
Other names: c.1251A>G, p.Val417= (NM_001178129.2).
Identifiers: ClinVar variation 3358816 (VCV003358816.1).